The following is an entry in ClinVar:

ClinVar aggregate classification (germline): Conflicting classifications of pathogenicity. Review status: criteria provided, conflicting classifications (1 of 4 stars). 2 submissions from 2 submitters: Uncertain significance (1); Likely benign (1). Last evaluated 2025-02-18.

Conditions:
Hereditary cancer-predisposing syndrome. Also called: Tumor predisposition; Neoplastic Syndromes, Hereditary; Hereditary neoplastic syndrome; Hereditary Cancer Syndrome. Identifiers: Orphanet 140162, MedGen C0027672, MeSH D009386, MONDO:0015356.
Hereditary breast ovarian cancer syndrome. Also called: BRCA1- and BRCA2-Associated Hereditary Breast and Ovarian Cancer; Hereditary breast and/or ovarian cancer syndrome; Hereditary breast and ovarian cancer syndrome; Hereditary breast and ovarian cancer; Hereditary breast and ovarian cancer syndrome (HBOC); Breast and ovarian cancer. Identifiers: Orphanet 145, MedGen C0677776, MeSH D061325, MONDO:0003582. Disease mechanism: loss of function.

gnomAD v4.1: 1 of 1,613,796 alleles (0.000062%); no homozygotes.

Submissions (2):

Labcorp Genetics (formerly Invitae), Labcorp
Classification: Uncertain significance for Hereditary breast ovarian cancer syndrome. Last evaluated: 2025-02-18. Review status: criteria provided, single submitter. Criteria: Invitae Variant Classification Sherloc (09022015). Collection method: clinical testing. Allele origin: germline.
Comment: This sequence change replaces glutamic acid, which is acidic and polar, with aspartic acid, which is acidic and polar, at codon 1812 of the BRCA2 protein (p.Glu1812Asp). This variant is not present in population databases (gnomAD no frequency). This missense change has been observed in individual(s) with ovarian cancer (PMID: 19499246). ClinVar contains an entry for this variant (Variation ID: 1019142). Invitae Evidence Modeling of protein sequence and biophysical properties (such as structural, functional, and spatial information, amino acid conservation, physicochemical variation, residue mobility, and thermodynamic stability) indicates that this missense variant is not expected to disrupt BRCA2 protein function with a negative predictive value of 95%. In summary, the available evidence is currently insufficient to determine the role of this variant in disease. Therefore, it has been classified as a Variant of Uncertain Significance.

University of Washington Department of Laboratory Medicine, University of Washington
Classification: Likely benign for Hereditary cancer-predisposing syndrome. Last evaluated: 2023-03-23. Review status: criteria provided, single submitter. Criteria: Dines et al. (Genet Med. 2020). Collection method: curation. Allele origin: germline.
Comment: Missense variant in a coldspot region where missense variants are very unlikely to be pathogenic (PMID:31911673).

BRCA2 exon 11 coldspot. Reclassification based on statistical prior probability.

Literature cited by the submitters: PubMed 19499246 (cited by Labcorp Genetics (formerly Invitae), Labcorp).

NM_000059.4(BRCA2):c.5436A>T (p.Glu1812Asp)

Gene: BRCA2 (BRCA2 DNA repair associated; plus strand). Cytogenetic location: 13q13.1.
Variant type: single nucleotide variant.
Coding change: c.5436A>T on transcript NM_000059.4 (MANE Select); coding-DNA position 5436, A replaced by T.
Protein change: p.Glu1812Asp; replaces glutamic acid 1812 with aspartic acid.
Molecular consequence: missense variant.
Genome position (GRCh38, 1-based): chr13:32,339,791, A>T. VCF-style: chr13-32339791-A-T. GRCh37 (hg19) VCF-style: chr13-32913928-A-T.
Other names: short protein forms E1812D.
Identifiers: ClinVar variation 1019142 (VCV001019142.10), dbSNP rs754090538, ClinGen allele CA387785509.